The following is an entry in ClinVar:

NM_001122681.2(SH3BP2):c.946T>A (p.Ser316Thr)

Gene: SH3BP2 (SH3 domain binding protein 2; plus strand). Cytogenetic location: 4p16.3.
Variant type: single nucleotide variant.
Coding change: c.946T>A on transcript NM_001122681.2 (MANE Select); coding-DNA position 946, T replaced by A.
Protein change: p.Ser316Thr; replaces serine 316 with threonine.
Molecular consequence: missense variant.
Genome position (GRCh38, 1-based): chr4:2,829,852, T>A. VCF-style: chr4-2829852-T-A. GRCh37 (hg19) VCF-style: chr4-2831579-T-A.
Other names: c.1030T>A, p.Ser344Thr (NM_001145855.2); c.1117T>A, p.Ser373Thr (NM_001145856.2); c.946T>A, p.Ser316Thr (NM_003023.4); short protein forms S344T, S316T, S373T.
Identifiers: ClinVar variation 2859676 (VCV002859676.3), dbSNP rs2530350201, ClinGen allele CA356056486.

ClinVar aggregate classification (germline): Uncertain significance (1 of 4 stars; one submission).

Conditions:
Fibrous dysplasia of jaw (CRBM). Also called: Cherubism. Identifiers: Orphanet 184, MedGen C0008029, MONDO:0007315, OMIM 118400.

Submission:

Labcorp Genetics (formerly Invitae), Labcorp
Classification: Uncertain significance for Fibrous dysplasia of jaw. Last evaluated: 2023-04-26. Review status: criteria provided, single submitter. Criteria: Invitae Variant Classification Sherloc (09022015). Collection method: clinical testing. Allele origin: germline.
Comment: This sequence change replaces serine, which is neutral and polar, with threonine, which is neutral and polar, at codon 316 of the SH3BP2 protein (p.Ser316Thr). In summary, the available evidence is currently insufficient to determine the role of this variant in disease. Therefore, it has been classified as a Variant of Uncertain Significance. Advanced modeling of protein sequence and biophysical properties (such as structural, functional, and spatial information, amino acid conservation, physicochemical variation, residue mobility, and thermodynamic stability) performed at Invitae indicates that this missense variant is not expected to disrupt SH3BP2 protein function. This variant has not been reported in the literature in individuals affected with SH3BP2-related conditions. This variant is not present in population databases (gnomAD no frequency).